The following is an entry in ClinVar:

NM_000222.3(KIT):c.1489G>T (p.Val497Leu)

Gene: KIT (KIT proto-oncogene, receptor tyrosine kinase; plus strand). Cytogenetic location: 4q12.
Variant type: single nucleotide variant.
Coding change: c.1489G>T on transcript NM_000222.3 (MANE Select); coding-DNA position 1489, G replaced by T.
Protein change: p.Val497Leu; replaces valine 497 with leucine.
Molecular consequence: missense variant.
Genome position (GRCh38, 1-based): chr4:54,725,999, G>T. VCF-style: chr4-54725999-G-T. GRCh37 (hg19) VCF-style: chr4-55592165-G-T.
Other names: c.1489G>T, p.Val497Leu (NM_001093772.2, NM_001385285.1, NM_001385286.1); c.1492G>T, p.Val498Leu (NM_001385284.1, NM_001385288.1, NM_001385290.1 and 1 more transcripts); short protein forms V497L, V498L.
Identifiers: ClinVar variation 576649 (VCV000576649.13), dbSNP rs1439977705, ClinGen allele CA356906532.

ClinVar aggregate classification (germline): Uncertain significance. Review status: criteria provided, multiple submitters, no conflicts (2 of 4 stars). 2 submissions from 2 submitters: Uncertain significance (2). Last evaluated 2025-05-27.

Conditions:
Hereditary cancer-predisposing syndrome. Also called: Hereditary Cancer Syndrome; Tumor predisposition; Neoplastic Syndromes, Hereditary; Hereditary neoplastic syndrome. Identifiers: Orphanet 140162, MedGen C0027672, MeSH D009386, MONDO:0015356.
Gastrointestinal stromal tumor. Also called: Gastrointestinal stromal tumor, somatic; Gastrointestinal stroma tumor. Identifiers: Orphanet 44890, MedGen C0238198, MeSH D046152, MONDO:0011719, OMIM 606764, HP:0100723.

Allele frequency attached by ClinVar (database versions not stated): gnomAD 0.00001; TOPMed 0.00002.
gnomAD v4.1: 3 of 1,614,034 alleles (0.00019%); highest among the groups gnomAD compares: African/African-American, 0.004%; no homozygotes.

Submissions (2):

Labcorp Genetics (formerly Invitae), Labcorp
Classification: Uncertain significance for Gastrointestinal stromal tumor. Last evaluated: 2025-05-27. Review status: criteria provided, single submitter. Criteria: Invitae Variant Classification Sherloc (09022015). Collection method: clinical testing. Allele origin: germline.
Comment: This sequence change replaces valine, which is neutral and non-polar, with leucine, which is neutral and non-polar, at codon 497 of the KIT protein (p.Val497Leu). This variant is not present in population databases (gnomAD no frequency). This variant has not been reported in the literature in individuals affected with KIT-related conditions. ClinVar contains an entry for this variant (Variation ID: 576649). An algorithm developed to predict the effect of missense changes on protein structure and function (PolyPhen-2) suggests that this variant is likely to be tolerated. In summary, the available evidence is currently insufficient to determine the role of this variant in disease. Therefore, it has been classified as a Variant of Uncertain Significance.

Ambry Genetics
Classification: Uncertain significance for Hereditary cancer-predisposing syndrome. Last evaluated: 2024-04-13. Review status: criteria provided, single submitter. Criteria: Ambry Variant Classification Scheme 2023. Collection method: clinical testing. Allele origin: germline.
Comment: The p.V497L variant (also known as c.1489G>T), located in coding exon 9 of the KIT gene, results from a G to T substitution at nucleotide position 1489. The valine at codon 497 is replaced by leucine, an amino acid with highly similar properties. This amino acid position is conserved. In addition, this alteration is predicted to be tolerated by in silico analysis. Since supporting evidence is limited at this time, the clinical significance of this alteration remains unclear.